The following is an entry in ClinVar:

ClinVar aggregate classification (germline): Conflicting classifications of pathogenicity. Review status: criteria provided, conflicting classifications (1 of 4 stars). 4 submissions from 4 submitters: Uncertain significance (1); Likely benign (3). Last evaluated 2021-11-07.

Conditions:
Deficiency of butyryl-CoA dehydrogenase (ACADSD). Also called: ACADS DEFICIENCY; SCADH DEFICIENCY; Short-Chain Acyl-CoA Dehydrogenase Deficiency; SCAD DEFICIENCY, MILD; ACYL-CoA DEHYDROGENASE, SHORT-CHAIN, DEFICIENCY OF; SCAD Deficiency. Identifiers: Orphanet 26792, MedGen C0342783, MONDO:0008722, OMIM 201470. Disease mechanism: May be benign.

Allele frequency attached by ClinVar (database versions not stated): ExAC 0.00007; gnomAD 0.00008 and 0.00009; TOPMed 0.00011.

Submissions (4):

Genome-Nilou Lab
Classification: Likely benign for Deficiency of butyryl-CoA dehydrogenase. Last evaluated: 2021-11-07. Review status: criteria provided, single submitter. Criteria: ACMG Guidelines, 2015. Collection method: clinical testing. Allele origin: germline. Affected: no.

Illumina Laboratory Services, Illumina
Classification: Uncertain significance for Deficiency of butyryl-CoA dehydrogenase. Last evaluated: 2018-01-12. Review status: criteria provided, single submitter. Criteria: ICSL Variant Classification Criteria 13 December 2019. Collection method: clinical testing. Allele origin: germline.

GeneDx
Classification: Likely benign. Last evaluated: 2016-09-15. Review status: criteria provided, single submitter. Criteria: GeneDx Variant Classification (06012015). Collection method: clinical testing. Allele origin: germline. Affected: yes.
Comment: This variant is considered likely benign or benign based on one or more of the following criteria: it is a conservative change, it occurs at a poorly conserved position in the protein, it is predicted to be benign by multiple in silico algorithms, and/or has population frequency not consistent with disease.

PreventionGenetics, part of Exact Sciences
Classification: Likely benign. Review status: criteria provided, single submitter. Criteria: ACMG Guidelines, 2015. Collection method: clinical testing. Allele origin: germline.

NM_000017.4(ACADS):c.*4C>T

Gene: ACADS (acyl-CoA dehydrogenase short chain; plus strand). Cytogenetic location: 12q24.31.
Variant type: single nucleotide variant.
Coding change: c.*4C>T on transcript NM_000017.4 (MANE Select); 4 bases downstream of the stop codon, C replaced by T.
Molecular consequence: 3 prime UTR variant.
Genome position (GRCh38, 1-based): chr12:120,739,452, C>T. VCF-style: chr12-120739452-C-T. GRCh37 (hg19) VCF-style: chr12-121177255-C-T.
Other names: c.*4C>T (NM_001302554.2).
Identifiers: ClinVar variation 254693 (VCV000254693.9), dbSNP rs774815274, ClinGen allele CA6831251.
Genomic context (GRCh38, chr12:120,739,452, plus strand): 5'-AGCGAAATCCAGCGGCTGGTGATCGCCGGGCATCTGCTCAGGAGCTACCGGAGCTGAGCC[C>T]GCGGCGGACTGCCCCAGGACTGCGGGAAGGCGCGGGAGCCAGGGGCCTCCACCCCAACCC-3'